The following is an entry in ClinVar:

ClinVar aggregate classification (germline): Uncertain significance (1 of 4 stars; one submission).

Conditions:
Tuberous sclerosis 2 (TSC2). Identifiers: Orphanet 805, MedGen C1860707, MONDO:0013199, OMIM 613254.

Submission:

Labcorp Genetics (formerly Invitae), Labcorp
Classification: Uncertain significance for Tuberous sclerosis 2. Last evaluated: 2024-05-07. Review status: criteria provided, single submitter. Criteria: Invitae Variant Classification Sherloc (09022015). Collection method: clinical testing. Allele origin: germline.
Comment: This sequence change replaces glutamic acid, which is acidic and polar, with aspartic acid, which is acidic and polar, at codon 66 of the TSC2 protein (p.Glu66Asp). This variant is not present in population databases (gnomAD no frequency). This variant has not been reported in the literature in individuals affected with TSC2-related conditions. Advanced modeling of protein sequence and biophysical properties (such as structural, functional, and spatial information, amino acid conservation, physicochemical variation, residue mobility, and thermodynamic stability) performed at Invitae indicates that this missense variant is not expected to disrupt TSC2 protein function with a negative predictive value of 95%. In summary, the available evidence is currently insufficient to determine the role of this variant in disease. Therefore, it has been classified as a Variant of Uncertain Significance.

NM_000548.5(TSC2):c.198A>C (p.Glu66Asp)

Gene: TSC2 (TSC complex subunit 2; plus strand). Cytogenetic location: 16p13.3.
Variant type: single nucleotide variant.
Coding change: c.198A>C on transcript NM_000548.5 (MANE Select); coding-DNA position 198, A replaced by C.
Protein change: p.Glu66Asp; replaces glutamic acid 66 with aspartic acid.
Molecular consequence: missense variant. On other transcripts: 5 prime UTR variant (20), non-coding transcript variant (5).
Genome position (GRCh38, 1-based): chr16:2,050,459, A>C. VCF-style: chr16-2050459-A-C. GRCh37 (hg19) VCF-style: chr16-2100460-A-C.
Other names: c.198A>C, p.Glu66Asp (NM_001077183.3, NM_001114382.3, NM_001318827.2 and 13 more transcripts); c.51A>C, p.Glu17Asp (NM_001318829.2, NM_001406675.1, NM_001406676.1 and 2 more transcripts); c.-29A>C (NM_001318831.2, NM_001406682.1, NM_001406684.1 and 3 more transcripts); c.231A>C, p.Glu77Asp (NM_001318832.2); c.-619A>C (NM_001406680.1, NM_001406683.1, NM_001406687.1); c.-248A>C (NM_001406681.1); c.-1234A>C (NM_001406689.1, NM_001406690.1, NM_001406691.1 and 2 more transcripts); c.-1540A>C (NM_001406693.1); and 3 more; short protein forms E17D, E66D, E77D.
Identifiers: ClinVar variation 2859055 (VCV002859055.3), dbSNP rs1596245865, ClinGen allele CA394303500.